The following is an entry in ClinVar:

ClinVar aggregate classification (germline): Uncertain significance. Review status: criteria provided, multiple submitters, no conflicts (2 of 4 stars). 2 submissions from 2 submitters: Uncertain significance (2). Last evaluated 2022-06-11.

Allele frequency attached by ClinVar (database versions not stated): gnomAD exomes below 0.00001.
gnomAD v4.1: 1 of 1,614,070 alleles (0.000062%); highest among the groups gnomAD compares: Non-Finnish European, 0.000085%; no homozygotes.

Submissions (2):

Labcorp Genetics (formerly Invitae), Labcorp
Classification: Uncertain significance. Last evaluated: 2022-06-11. Review status: criteria provided, single submitter. Criteria: Invitae Variant Classification Sherloc (09022015). Collection method: clinical testing. Allele origin: germline.
Comment: In summary, the available evidence is currently insufficient to determine the role of this variant in disease. Therefore, it has been classified as a Variant of Uncertain Significance. Algorithms developed to predict the effect of missense changes on protein structure and function output the following: SIFT: "Tolerated"; PolyPhen-2: "Benign"; Align-GVGD: "Class C0". The arginine amino acid residue is found in multiple mammalian species, which suggests that this missense change does not adversely affect protein function. This variant has not been reported in the literature in individuals affected with CNGA1-related conditions. This variant is not present in population databases (gnomAD no frequency). This sequence change replaces lysine, which is basic and polar, with arginine, which is basic and polar, at codon 523 of the CNGA1 protein (p.Lys523Arg).

Blueprint Genetics
Classification: Uncertain significance. Last evaluated: 2017-08-28. Review status: criteria provided, single submitter. Criteria: ACMG Guidelines, 2015. Collection method: clinical testing. Allele origin: germline.

NM_001379270.1(CNGA1):c.1556A>G (p.Lys519Arg)

Genes: CNGA1 (cyclic nucleotide gated channel subunit alpha 1; minus strand), LOC101927157 (uncharacterized LOC101927157; plus strand). Cytogenetic location: 4p12.
Variant type: single nucleotide variant.
Coding change: c.1556A>G on transcript NM_001379270.1 (MANE Select); coding-DNA position 1556, A replaced by G.
Protein change: p.Lys519Arg; replaces lysine 519 with arginine.
Molecular consequence: missense variant.
Genome position (GRCh38, 1-based): chr4:47,936,926, T>C on the plus strand (A>G on the coding strand, the complement: CNGA1 is on the minus strand). VCF-style: chr4-47936926-T-C. GRCh37 (hg19) VCF-style: chr4-47938943-T-C.
Other names: c.1556A>G, p.Lys519Arg (NM_000087.5, NM_001142564.2); short protein forms K519R.
Identifiers: ClinVar variation 1942705 (VCV001942705.6), dbSNP rs2475747966, ClinGen allele CA356825187.